The following is an entry in ClinVar:

NM_020117.11(LARS1):c.2091-313T>C

Gene: LARS1 (leucyl-tRNA synthetase 1; minus strand). Cytogenetic location: 5q32.
Variant type: single nucleotide variant.
Coding change: c.2091-313T>C on transcript NM_020117.11 (MANE Select); 313 bases into the intron before coding-DNA position 2091, T replaced by C.
Molecular consequence: intron variant.
Genome position (GRCh38, 1-based): chr5:146,140,574, A>G on the plus strand (T>C on the coding strand, the complement: LARS1 is on the minus strand). VCF-style: chr5-146140574-A-G. GRCh37 (hg19) VCF-style: chr5-145520137-A-G.
Other names: c.1929-313T>C (NM_001317965.2); c.2010-313T>C (NM_016460.4); c.1953-313T>C (NM_001317964.2).
Identifiers: ClinVar variation 670016 (VCV000670016.1), dbSNP rs11955635, ClinGen allele CA11984002.

ClinVar aggregate classification (germline): Benign (1 of 4 stars; one submission).

Allele frequency attached by ClinVar (database versions not stated): 1000 Genomes Project 30x 0.18067; 1000 Genomes Project 0.18171; gnomAD 0.22071 and 0.22164; TOPMed 0.22132.

Submission:

GeneDx
Classification: Benign. Last evaluated: 2018-06-19. Review status: criteria provided, single submitter. Criteria: GeneDx Variant Classification (06012015). Collection method: clinical testing. Allele origin: germline. Affected: yes.
Comment: This variant is considered likely benign or benign based on one or more of the following criteria: it is a conservative change, it occurs at a poorly conserved position in the protein, it is predicted to be benign by multiple in silico algorithms, and/or has population frequency not consistent with disease.